The following is an entry in ClinVar:

ClinVar aggregate classification (germline): Likely pathogenic (1 of 4 stars; one submission).

Conditions:
ACTH-independent macronodular adrenal hyperplasia 2. Also called: PRIMARY MACRONODULAR ADRENAL HYPERPLASIA. Identifiers: Orphanet 189427, MedGen C4014803, MONDO:0014416, OMIM 615954.

gnomAD v4.1: 5 of 1,612,006 alleles (0.00031%); highest among the groups gnomAD compares: Non-Finnish European, 0.00017%; no homozygotes.

Submission:

Translational Medicine Institute, Shanxi Medical University
Classification: Likely pathogenic for ACTH-independent macronodular adrenal hyperplasia 2. Last evaluated: 2024-12-06. Review status: criteria provided, single submitter. Criteria: ACMG Guidelines, 2015. Collection method: clinical testing. Allele origin: germline. Inheritance: Autosomal dominant inheritance. Affected: yes. Observed: 3 heterozygotes. Clinical features observed: Round face (HP:0000311), Meningioma (HP:0002858), Pituitary adenoma (HP:0002893), Macronodular adrenal hyperplasia (HP:0008231), Moon facies (HP:0500011), Dry skin (HP:0000958).
Comment: Possibly pathogenic (PS4_Supporting+PM2_Supporting+PP1_Strong+PP3) PS4_Supporting: Two patients carrying this variant have been reported [2-3]. PM2_Supporting: According to the analysis of ESP database, 1000 database, and gnomAD database, the highest population frequency of this variant is 0. This mutation has been reported in 2 families: 1 family of 44, 6 patients carrying this mutation; In a 3-family family, 2 patients carried this variant [2-3]. PP3: bioinformatics software REVEL score was 0.703.

Literature cited by the submitters: PubMed 36548967.

NM_001105247.2(ARMC5):c.943C>T (p.Arg315Trp)

Gene: ARMC5 (armadillo repeat containing 5; plus strand). Cytogenetic location: 16p11.2.
Variant type: single nucleotide variant.
Coding change: c.943C>T on transcript NM_001105247.2 (MANE Select); coding-DNA position 943, C replaced by T.
Protein change: p.Arg315Trp; replaces arginine 315 with tryptophan.
Molecular consequence: missense variant.
Genome position (GRCh38, 1-based): chr16:31,462,490, C>T. VCF-style: chr16-31462490-C-T. GRCh37 (hg19) VCF-style: chr16-31473811-C-T.
Other names: c.1228C>T, p.Arg410Trp (NM_001288767.2); c.1039C>T, p.Arg347Trp (NM_001301820.1); c.943C>T, p.Arg315Trp (NM_024742.2); short protein forms R315W, R347W, R410W.
Identifiers: ClinVar variation 3602762 (VCV003602762.1).
Genomic context (GRCh38, chr16:31,462,490, plus strand): 5'-CGGGCAGTACGCGAGGGAACCATTCTGATCCTCGCCAACCTGTGTGCCCAGGGCCTGATT[C>T]GGCCTGCACTGGGCAATGCTGGTGGCGTGGAGGTGCTGGTAGATGAGCTCCGGCAGCGCC-3'
Protein context (NP_001098717.1, residues 305-325): LANLCAQGLI[Arg315Trp]PALGNAGGVE